The following is an entry in ClinVar:

ClinVar aggregate classification (germline): Uncertain significance (1 of 4 stars; one submission).

Submission:

Women's Health and Genetics/Laboratory Corporation of America, LabCorp
Classification: Uncertain significance. Last evaluated: 2025-03-03. Review status: criteria provided, single submitter. Criteria: LabCorp Variant Classification Summary - May 2015. Collection method: clinical testing. Allele origin: germline.
Comment: Variant summary: SURF1 c.589-8C>G alters a non-conserved nucleotide located close to a canonical splice site and therefore could affect mRNA splicing, leading to a significantly altered protein sequence. Consensus agreement among computational tools predict no significant impact on normal splicing. However, these predictions have yet to be confirmed by functional studies. The variant was absent in 250880 control chromosomes. The available data on variant occurrences in the general population are insufficient to allow any conclusion about variant significance. To our knowledge, no occurrence of c.589-8C>G in individuals affected with Charcot-Marie-Tooth disease type 4K and no experimental evidence demonstrating its impact on protein function have been reported. No submitters have cited clinical-significance assessments for this variant to ClinVar. Based on the evidence outlined above, the variant was classified as uncertain significance.

NM_003172.4(SURF1):c.589-8C>G

Gene: SURF1 (SURF1 cytochrome c oxidase assembly factor; minus strand). Cytogenetic location: 9q34.2.
Variant type: single nucleotide variant.
Coding change: c.589-8C>G on transcript NM_003172.4 (MANE Select); 8 bases into the intron before coding-DNA position 589, C replaced by G.
Molecular consequence: intron variant.
Genome position (GRCh38, 1-based): chr9:133,352,616, G>C on the plus strand (C>G on the coding strand, the complement: SURF1 is on the minus strand). VCF-style: chr9-133352616-G-C. GRCh37 (hg19) VCF-style: chr9-136219471-G-C.
Other names: c.262-8C>G (NM_001280787.1).
Identifiers: ClinVar variation 3895856 (VCV003895856.1).